The following is an entry in ClinVar:

NM_000218.3(KCNQ1):c.1100A>G (p.Gln367Arg)

Gene: KCNQ1 (potassium voltage-gated channel subfamily Q member 1; plus strand). Cytogenetic location: 11p15.5.
Variant type: single nucleotide variant.
Coding change: c.1100A>G on transcript NM_000218.3 (MANE Select); coding-DNA position 1100, A replaced by G.
Protein change: p.Gln367Arg; replaces glutamine 367 with arginine.
Molecular consequence: missense variant.
Genome position (GRCh38, 1-based): chr11:2,585,279, A>G. VCF-style: chr11-2585279-A-G. GRCh37 (hg19) VCF-style: chr11-2606509-A-G.
Other names: c.830A>G, p.Gln277Arg (NM_001406837.1); c.719A>G, p.Gln240Arg (NM_181798.2); short protein forms Q240R, Q367R, Q277R.
Identifiers: ClinVar variation 1215084 (VCV001215084.8), dbSNP rs2133754743, ClinGen allele CA379133871.

ClinVar aggregate classification (germline): Conflicting classifications of pathogenicity. Review status: criteria provided, conflicting classifications (1 of 4 stars). 2 submissions from 2 submitters: Likely pathogenic (1); Uncertain significance (1). Last evaluated 2023-11-20.

Conditions:
Long QT syndrome (LQTS). Identifiers: MedGen C0023976, MeSH D008133, MONDO:0002442. Disease mechanism: loss of function. Inheritance: Various modes of inheritance.

Allele frequency attached by ClinVar (database versions not stated): gnomAD exomes below 0.00001.
gnomAD v4.1: 1 of 1,614,034 alleles (0.000062%); highest among the groups gnomAD compares: Non-Finnish European, 0.000085%; no homozygotes.

Submissions (2):

Labcorp Genetics (formerly Invitae), Labcorp
Classification: Likely pathogenic for Long QT syndrome. Last evaluated: 2023-11-20. Review status: criteria provided, single submitter. Criteria: Invitae Variant Classification Sherloc (09022015). Collection method: clinical testing. Allele origin: germline.
Comment: This sequence change replaces glutamine, which is neutral and polar, with arginine, which is basic and polar, at codon 367 of the KCNQ1 protein (p.Gln367Arg). This variant is not present in population databases (gnomAD no frequency). This variant has not been reported in the literature in individuals affected with KCNQ1-related conditions. ClinVar contains an entry for this variant (Variation ID: 1215084). Advanced modeling of protein sequence and biophysical properties (such as structural, functional, and spatial information, amino acid conservation, physicochemical variation, residue mobility, and thermodynamic stability) performed at Invitae indicates that this missense variant is expected to disrupt KCNQ1 protein function with a positive predictive value of 95%. This variant disrupts the p.Gln367 amino acid residue in KCNQ1. Other variant(s) that disrupt this residue have been determined to be pathogenic (PMID: 17438609; Invitae). This suggests that this residue is clinically significant, and that variants that disrupt this residue are likely to be disease-causing. In summary, the currently available evidence indicates that the variant is pathogenic, but additional data are needed to prove that conclusively. Therefore, this variant has been classified as Likely Pathogenic.

GeneDx
Classification: Uncertain significance. Last evaluated: 2020-10-07. Review status: criteria provided, single submitter. Criteria: GeneDx Variant Classification Process June 2021. Collection method: clinical testing. Allele origin: germline. Affected: yes.
Comment: Has not been previously published as pathogenic or benign to our knowledge; Not observed in large population cohorts (Lek et al., 2016); In silico analysis, which includes protein predictors and evolutionary conservation, supports a deleterious effect

Literature cited by the submitters: PubMed 17438609 (cited by Labcorp Genetics (formerly Invitae), Labcorp).